The following is an entry in ClinVar:

NM_001082486.2(ACD):c.567T>C (p.Ala189=)

Gene: ACD (ACD shelterin complex subunit and telomerase recruitment factor; minus strand). Cytogenetic location: 16q22.1.
Variant type: single nucleotide variant.
Coding change: c.567T>C on transcript NM_001082486.2 (MANE Select); coding-DNA position 567, T replaced by C.
Protein change: p.Ala189=; no amino-acid change (alanine 189 retained).
Molecular consequence: synonymous variant.
Genome position (GRCh38, 1-based): chr16:67,659,006, A>G on the plus strand (T>C on the coding strand, the complement: ACD is on the minus strand). VCF-style: chr16-67659006-A-G. GRCh37 (hg19) VCF-style: chr16-67692909-A-G.
Other names: c.567T>C, p.Ala189= (NM_001410884.1); c.558T>C, p.Ala186= (NM_022914.3).
Identifiers: ClinVar variation 1762667 (VCV001762667.8), dbSNP rs761367992, ClinGen allele CA8114621.
Genomic context (GRCh38, chr16:67,659,006, plus strand): 5'-GGCAGCCCAGTGGGTGACAGGGGGTGCTGTGCAAGGGCCCTCCAGTGTCAGGCAGCTTTC[A>G]GCCAGGCACACGAGTGCCCCCTGATGCTCCTGGTCCTCCCGCATTTCATCCAGAAGCTGG-3'
Protein context (NP_001075955.2, residues 179-199): QEHQGALVCL[Ala189=]ESCLTLEGPC

ClinVar aggregate classification (germline): Likely benign. Review status: criteria provided, multiple submitters, no conflicts (2 of 4 stars). 4 submissions from 4 submitters: Likely benign (4). Last evaluated 2026-03-01.

Conditions:
Inborn genetic diseases. Identifiers: MedGen C0950123, MeSH D030342.

Allele frequency attached by ClinVar (database versions not stated): gnomAD exomes below 0.00001; gnomAD 0.00001; ExAC 0.00002.
gnomAD v4.1: 7 of 1,613,822 alleles (0.00043%); highest among the groups gnomAD compares: Non-Finnish European, 0.00059%; no homozygotes.

Submissions (4):

CeGaT Center for Human Genetics Tuebingen
Classification: Likely benign. Last evaluated: 2026-03-01. Review status: criteria provided, single submitter. Criteria: CeGaT Center For Human Genetics Tuebingen Variant Classification Criteria Version 2. Collection method: clinical testing. Allele origin: germline. Affected: yes. Observed: 1 variant allele.
Comment: ACD: BP4, BP7

Laboratory of Genetics, Children's Clinical University Hospital Latvia
Classification: Likely benign. Last evaluated: 2025-02-16. Review status: criteria provided, single submitter. Criteria: ACMG Guidelines, 2015. Collection method: clinical testing. Allele origin: germline. Affected: yes.

Blueprint Genetics
Classification: Likely benign. Last evaluated: 2019-11-21. Review status: criteria provided, single submitter. Criteria: ACMG Guidelines, 2015. Collection method: clinical testing. Allele origin: germline.

Ambry Genetics
Classification: Likely benign for Inborn genetic diseases. Last evaluated: 2019-10-06. Review status: criteria provided, single submitter. Criteria: Ambry Variant Classification Scheme 2023. Collection method: clinical testing. Allele origin: germline.